The following is an entry in ClinVar:

NM_000238.4(KCNH2):c.485C>G (p.Thr162Ser)

Gene: KCNH2 (potassium voltage-gated channel subfamily H member 2; minus strand). Cytogenetic location: 7q36.1.
Variant type: single nucleotide variant.
Coding change: c.485C>G on transcript NM_000238.4 (MANE Select); coding-DNA position 485, C replaced by G.
Protein change: p.Thr162Ser; replaces threonine 162 with serine.
Molecular consequence: missense variant.
Genome position (GRCh38, 1-based): chr7:150,958,490, G>C on the plus strand (C>G on the coding strand, the complement: KCNH2 is on the minus strand). VCF-style: chr7-150958490-G-C. GRCh37 (hg19) VCF-style: chr7-150655578-G-C.
Other names: c.197C>G, p.Thr66Ser (NM_001406753.1, NM_001406756.1); c.308C>G, p.Thr103Ser (NM_001406755.1); c.185C>G, p.Thr62Ser (NM_001406757.1); c.485C>G, p.Thr162Ser (NM_172056.3); short protein forms T162S, T62S, T103S, T66S.
Identifiers: ClinVar variation 1478453 (VCV001478453.8), dbSNP rs2117007200, ClinGen allele CA369863550.

ClinVar aggregate classification (germline): Uncertain significance (1 of 4 stars; one submission).

Conditions:
Long QT syndrome (LQTS). Identifiers: MedGen C0023976, MeSH D008133, MONDO:0002442. Disease mechanism: loss of function. Inheritance: Various modes of inheritance.

Submission:

Labcorp Genetics (formerly Invitae), Labcorp
Classification: Uncertain significance for Long QT syndrome. Last evaluated: 2020-11-21. Review status: criteria provided, single submitter. Criteria: Invitae Variant Classification Sherloc (09022015). Collection method: clinical testing. Allele origin: germline.
Comment: Algorithms developed to predict the effect of missense changes on protein structure and function (SIFT, PolyPhen-2, Align-GVGD) all suggest that this variant is likely to be tolerated, but these predictions have not been confirmed by published functional studies and their clinical significance is uncertain. In summary, the available evidence is currently insufficient to determine the role of this variant in disease. Therefore, it has been classified as a Variant of Uncertain Significance. This variant has not been reported in the literature in individuals with KCNH2-related conditions. The frequency data for this variant in the population databases is considered unreliable, as metrics indicate insufficient coverage at this position in the ExAC database. This sequence change replaces threonine with serine at codon 162 of the KCNH2 protein (p.Thr162Ser). The threonine residue is weakly conserved and there is a small physicochemical difference between threonine and serine.